The following is an entry in ClinVar:

NM_000642.3(AGL):c.2654A>G (p.Asp885Gly)

Gene: AGL (amylo-alpha-1,6-glucosidase and 4-alpha-glucanotransferase; plus strand). Cytogenetic location: 1p21.2.
Variant type: single nucleotide variant.
Coding change: c.2654A>G on transcript NM_000642.3 (MANE Select); coding-DNA position 2654, A replaced by G.
Protein change: p.Asp885Gly; replaces aspartic acid 885 with glycine.
Molecular consequence: missense variant.
Genome position (GRCh38, 1-based): chr1:99,884,676, A>G. VCF-style: chr1-99884676-A-G. GRCh37 (hg19) VCF-style: chr1-100350232-A-G.
Other names: c.2654A>G, p.Asp885Gly (NM_000028.3, NM_000643.3, NM_000644.3 and 2 more transcripts); c.2606A>G, p.Asp869Gly (NM_000646.3); c.2453A>G, p.Asp818Gly (NM_001425327.1); c.2450A>G, p.Asp817Gly (NM_001425328.1); c.2276A>G, p.Asp759Gly (NM_001425332.1); short protein forms D869G, D885G, D759G, D817G, D818G.
Identifiers: ClinVar variation 647232 (VCV000647232.12), dbSNP rs867149434, ClinGen allele CA27519607.

ClinVar aggregate classification (germline): Uncertain significance. Review status: criteria provided, multiple submitters, no conflicts (2 of 4 stars). 3 submissions from 3 submitters: Uncertain significance (2). 1 of the submissions does not count toward it. Last evaluated 2026-08-01.

Conditions:
Glycogen storage disease type III (GSD3). Also called: Cori disease; FORBES DISEASE. Identifiers: Orphanet 366, MedGen C0017922, MONDO:0009291, OMIM 232400.

Allele frequency attached by ClinVar (database versions not stated): gnomAD 0.00001; gnomAD exomes 0.00001; TOPMed 0.00001.
gnomAD v4.1: 19 of 1,613,864 alleles (0.0012%); highest among the groups gnomAD compares: Non-Finnish European, 0.0015%; no homozygotes.

Submissions (3):

CeGaT Center for Human Genetics Tuebingen
Classification: Uncertain significance. Last evaluated: 2026-08-01. Review status: criteria provided, single submitter. Criteria: CeGaT Center For Human Genetics Tuebingen Variant Classification Criteria Version 2. Collection method: clinical testing. Allele origin: germline. Affected: yes. Observed: 1 variant allele.
Comment: AGL: PM2, BP4

Labcorp Genetics (formerly Invitae), Labcorp
Classification: Uncertain significance for Glycogen storage disease type III. Last evaluated: 2021-08-26. Review status: criteria provided, single submitter. Criteria: Invitae Variant Classification Sherloc (09022015). Collection method: clinical testing. Allele origin: germline.
Comment: This sequence change replaces aspartic acid with glycine at codon 885 of the AGL protein (p.Asp885Gly). The aspartic acid residue is weakly conserved and there is a moderate physicochemical difference between aspartic acid and glycine. This variant is not present in population databases (ExAC no frequency). This variant has not been reported in the literature in individuals affected with AGL-related conditions. Algorithms developed to predict the effect of missense changes on protein structure and function (SIFT, PolyPhen-2, Align-GVGD) all suggest that this variant is likely to be tolerated. In summary, the available evidence is currently insufficient to determine the role of this variant in disease. Therefore, it has been classified as a Variant of Uncertain Significance.

Natera, Inc.
Classification: Uncertain significance for Glycogen storage disease type III. Last evaluated: 2020-03-18. Review status: no assertion criteria provided. Collection method: clinical testing. Allele origin: germline. Not counted in ClinVar's aggregate classification.